The following is an entry in ClinVar:

ClinVar aggregate classification (germline): Uncertain significance (1 of 4 stars; one submission).

Allele frequency attached by ClinVar (database versions not stated): gnomAD exomes 0.00001.

Submission:

Labcorp Genetics (formerly Invitae), Labcorp
Classification: Uncertain significance. Last evaluated: 2023-12-07. Review status: criteria provided, single submitter. Criteria: Invitae Variant Classification Sherloc (09022015). Collection method: clinical testing. Allele origin: germline.
Comment: This sequence change replaces valine, which is neutral and non-polar, with isoleucine, which is neutral and non-polar, at codon 1225 of the RTTN protein (p.Val1225Ile). This variant is present in population databases (no rsID available, gnomAD 0.003%). This variant has not been reported in the literature in individuals affected with RTTN-related conditions. ClinVar contains an entry for this variant (Variation ID: 1484813). Advanced modeling of protein sequence and biophysical properties (such as structural, functional, and spatial information, amino acid conservation, physicochemical variation, residue mobility, and thermodynamic stability) performed at Invitae indicates that this missense variant is not expected to disrupt RTTN protein function with a negative predictive value of 80%. In summary, the available evidence is currently insufficient to determine the role of this variant in disease. Therefore, it has been classified as a Variant of Uncertain Significance.

NM_173630.4(RTTN):c.3673G>A (p.Val1225Ile)

Gene: RTTN (rotatin; minus strand). Cytogenetic location: 18q22.2.
Variant type: single nucleotide variant.
Coding change: c.3673G>A on transcript NM_173630.4 (MANE Select); coding-DNA position 3673, G replaced by A.
Protein change: p.Val1225Ile; replaces valine 1225 with isoleucine.
Molecular consequence: missense variant.
Genome position (GRCh38, 1-based): chr18:70,114,455, C>T on the plus strand (G>A on the coding strand, the complement: RTTN is on the minus strand). VCF-style: chr18-70114455-C-T. GRCh37 (hg19) VCF-style: chr18-67781691-C-T.
Other names: c.937G>A, p.Val313Ile (NM_001318520.2); short protein forms V1225I, V313I.
Identifiers: ClinVar variation 1484813 (VCV001484813.4), dbSNP rs1263837138, ClinGen allele CA402690740.